The following is an entry in ClinVar:

ClinVar aggregate classification (germline): Uncertain significance (1 of 4 stars; one submission).

Conditions:
Peroxisome biogenesis disorder 7A (Zellweger). Also called: Peroxisome biogenesis disorder 7A. Identifiers: Orphanet 912, MedGen C3888385, MONDO:0013938, OMIM 614872.
Peroxisome biogenesis disorder 7B (PBD7B). Identifiers: Orphanet 44, MedGen C3553951, MONDO:0013939, OMIM 614873.

Submission:

Labcorp Genetics (formerly Invitae), Labcorp
Classification: Uncertain significance for Peroxisome biogenesis disorder 7A (Zellweger); Peroxisome biogenesis disorder 7B. Last evaluated: 2022-08-02. Review status: criteria provided, single submitter. Criteria: Invitae Variant Classification Sherloc (09022015). Collection method: clinical testing. Allele origin: germline.
Comment: In summary, the available evidence is currently insufficient to determine the role of this variant in disease. Therefore, it has been classified as a Variant of Uncertain Significance. Algorithms developed to predict the effect of missense changes on protein structure and function output the following: SIFT: "Deleterious"; PolyPhen-2: "Benign"; Align-GVGD: "Class C0". The histidine amino acid residue is found in multiple mammalian species, which suggests that this missense change does not adversely affect protein function. This variant has not been reported in the literature in individuals affected with PEX26-related conditions. This variant is not present in population databases (gnomAD no frequency). This sequence change replaces glutamine, which is neutral and polar, with histidine, which is basic and polar, at codon 111 of the PEX26 protein (p.Gln111His).

NM_001127649.3(PEX26):c.333G>T (p.Gln111His)

Gene: PEX26 (peroxisomal biogenesis factor 26; plus strand). Cytogenetic location: 22q11.21.
Variant type: single nucleotide variant.
Coding change: c.333G>T on transcript NM_001127649.3 (MANE Select); coding-DNA position 333, G replaced by T.
Protein change: p.Gln111His; replaces glutamine 111 with histidine.
Molecular consequence: missense variant.
Genome position (GRCh38, 1-based): chr22:18,079,976, G>T. VCF-style: chr22-18079976-G-T. GRCh37 (hg19) VCF-style: chr22-18562742-G-T.
Other names: c.333G>T, p.Gln111His (NM_001199319.2, NM_017929.6); short protein forms Q111H.
Identifiers: ClinVar variation 2131385 (VCV002131385.4), dbSNP rs1038242517, ClinGen allele CA410265820.
Genomic context (GRCh38, chr22:18,079,976, plus strand): 5'-GGCCCTGGCAGAAATGGATCGGTGGCAAGAAGTCCTCTCCTGGGTCCTTCAGTATTACCA[G>T]GTCCCTGAAAAGCTACCCCCCAAAGTCCTGGAGCTGTGGTAAGTCTTCTTTGCTGACTCA-3'
Protein context (NP_001121121.1, residues 101-121): EVLSWVLQYY[Gln111His]VPEKLPPKVL